The following is an entry in ClinVar:

ClinVar aggregate classification (germline): Uncertain significance. Review status: criteria provided, multiple submitters, no conflicts (2 of 4 stars). 3 submissions from 3 submitters: Uncertain significance (3). Last evaluated 2025-01-09.

Conditions:
Cornelia de Lange syndrome 3 (CDLS3). Also called: SMC3-Related Cornelia de Lange Syndrome; CORNELIA DE LANGE SYNDROME 3 WITH OR WITHOUT MIDLINE BRAIN DEFECTS. Identifiers: Orphanet 199, MedGen C1853099, MONDO:0012555, OMIM 610759.

Submissions (3):

Labcorp Genetics (formerly Invitae), Labcorp
Classification: Uncertain significance for Cornelia de Lange syndrome 3. Last evaluated: 2025-01-09. Review status: criteria provided, single submitter. Criteria: Invitae Variant Classification Sherloc (09022015). Collection method: clinical testing. Allele origin: germline.
Comment: This sequence change replaces glycine, which is neutral and non-polar, with aspartic acid, which is acidic and polar, at codon 1050 of the SMC3 protein (p.Gly1050Asp). This variant is not present in population databases (gnomAD no frequency). This variant has not been reported in the literature in individuals affected with SMC3-related conditions. Invitae Evidence Modeling of protein sequence and biophysical properties (such as structural, functional, and spatial information, amino acid conservation, physicochemical variation, residue mobility, and thermodynamic stability) has been performed for this missense variant. However, the output from this modeling did not meet the statistical confidence thresholds required to predict the impact of this variant on SMC3 protein function. In summary, the available evidence is currently insufficient to determine the role of this variant in disease. Therefore, it has been classified as a Variant of Uncertain Significance.

Revvity Omics, Revvity
Classification: Uncertain significance for Cornelia de Lange syndrome 3. Last evaluated: 2023-08-21. Review status: criteria provided, single submitter. Criteria: ACMG Guidelines, 2015. Collection method: clinical testing. Allele origin: germline.

Blueprint Genetics
Classification: Uncertain significance. Last evaluated: 2021-09-24. Review status: criteria provided, single submitter. Criteria: ACMG Guidelines, 2015. Collection method: clinical testing. Allele origin: germline.

NM_005445.4(SMC3):c.3149G>A (p.Gly1050Asp)

Gene: SMC3 (structural maintenance of chromosomes 3; plus strand). Cytogenetic location: 10q25.2.
Variant type: single nucleotide variant.
Coding change: c.3149G>A on transcript NM_005445.4 (MANE Select); coding-DNA position 3149, G replaced by A.
Protein change: p.Gly1050Asp; replaces glycine 1050 with aspartic acid.
Molecular consequence: missense variant.
Genome position (GRCh38, 1-based): chr10:110,602,517, G>A. VCF-style: chr10-110602517-G-A. GRCh37 (hg19) VCF-style: chr10-112362275-G-A.
Other names: short protein forms G1050D.
Identifiers: ClinVar variation 3720413 (VCV003720413.4).